The following is an entry in ClinVar:

ClinVar aggregate classification (germline): Pathogenic (1 of 4 stars; one submission).

gnomAD v4.1: 1 of 1,612,300 alleles (0.000062%); highest among the groups gnomAD compares: East Asian, 0.0022%; no homozygotes.

Submission:

Labcorp Genetics (formerly Invitae), Labcorp
Classification: Pathogenic. Last evaluated: 2023-06-27. Review status: criteria provided, single submitter. Criteria: Invitae Variant Classification Sherloc (09022015). Collection method: clinical testing. Allele origin: germline.
Comment: This variant has not been reported in the literature in individuals affected with ITGB4-related conditions. For these reasons, this variant has been classified as Pathogenic. This variant is not present in population databases (gnomAD no frequency). This sequence change creates a premature translational stop signal (p.Gln104*) in the ITGB4 gene. It is expected to result in an absent or disrupted protein product. Loss-of-function variants in ITGB4 are known to be pathogenic (PMID: 11328943, 16473856).

Literature cited by the submitters: PubMed 11328943; PubMed 16473856.

NM_000213.5(ITGB4):c.310C>T (p.Gln104Ter)

Gene: ITGB4 (integrin subunit beta 4; plus strand). Cytogenetic location: 17q25.1.
Variant type: single nucleotide variant.
Coding change: c.310C>T on transcript NM_000213.5 (MANE Select); coding-DNA position 310, C replaced by T.
Protein change: p.Gln104Ter; replaces glutamine 104 with a stop codon.
Molecular consequence: nonsense.
Genome position (GRCh38, 1-based): chr17:75,727,696, C>T. VCF-style: chr17-75727696-C-T. GRCh37 (hg19) VCF-style: chr17-73723777-C-T.
Other names: c.310C>T, p.Gln104Ter (NM_001005619.2, NM_001005731.3, NM_001321123.2); short protein forms Q104*.
Identifiers: ClinVar variation 2729661 (VCV002729661.3), dbSNP rs764405265, ClinGen allele CA401038904.
Genomic context (GRCh38, chr17:75,727,696, plus strand): 5'-TTCCACTGGCTGCAGGAGACCCAGATTGACACCACCCTGCGGCGCAGCCAGATGTCCCCC[C>T]AAGGCCTGCGGGTCCGTCTGCGGCCCGGTGAGGAGCGGCATTTTGAGCTGGAGGTGTTTG-3'